The following is an entry in ClinVar:

NM_007186.6(CEP250):c.7126C>T (p.Arg2376Cys)

Gene: CEP250 (centrosomal protein 250; plus strand). Cytogenetic location: 20q11.22.
Variant type: single nucleotide variant.
Coding change: c.7126C>T on transcript NM_007186.6 (MANE Select); coding-DNA position 7126, C replaced by T.
Protein change: p.Arg2376Cys; replaces arginine 2376 with cysteine.
Molecular consequence: missense variant.
Genome position (GRCh38, 1-based): chr20:35,511,423, C>T. VCF-style: chr20-35511423-C-T. GRCh37 (hg19) VCF-style: chr20-34099252-C-T.
Other names: c.5230C>T, p.Arg1744Cys (NM_001318219.1); short protein forms R1744C, R2376C.
Identifiers: ClinVar variation 1461810 (VCV001461810.8), dbSNP rs563013303, ClinGen allele CA314165715.

ClinVar aggregate classification (germline): Uncertain significance (1 of 4 stars; one submission).

Allele frequency attached by ClinVar (database versions not stated): gnomAD exomes 0.00001.
gnomAD v4.1: 14 of 1,613,842 alleles (0.00087%); highest among the groups gnomAD compares: East Asian, 0.0045%; no homozygotes.

Submission:

Labcorp Genetics (formerly Invitae), Labcorp
Classification: Uncertain significance. Last evaluated: 2024-03-04. Review status: criteria provided, single submitter. Criteria: Invitae Variant Classification Sherloc (09022015). Collection method: clinical testing. Allele origin: germline.
Comment: This sequence change replaces arginine, which is basic and polar, with cysteine, which is neutral and slightly polar, at codon 2376 of the CEP250 protein (p.Arg2376Cys). This variant is present in population databases (rs563013303, gnomAD 0.01%). This variant has not been reported in the literature in individuals affected with CEP250-related conditions. ClinVar contains an entry for this variant (Variation ID: 1461810). An algorithm developed to predict the effect of missense changes on protein structure and function (PolyPhen-2) suggests that this variant is likely to be disruptive. In summary, the available evidence is currently insufficient to determine the role of this variant in disease. Therefore, it has been classified as a Variant of Uncertain Significance.